The following is an entry in ClinVar:

ClinVar aggregate classification (germline): Benign. Review status: reviewed by expert panel (3 of 4 stars). 10 submissions from 9 submitters: Benign (1). 9 of the submissions do not count toward it. Last evaluated 2023-11-14.

Conditions:
Recombinase activating gene 1 deficiency. Identifiers: MedGen CN375631, MONDO:0000572.
Combined immunodeficiency with skin granulomas. Identifiers: Orphanet 157949, MedGen C2673536, MONDO:0009306, OMIM 233650.
Severe combined immunodeficiency, autosomal recessive, T cell-negative, B cell-negative, NK cell-positive. Also called: SCID, AR, T-cell negative, B-cell negative, NK cell-positive; SCID, T CELL-NEGATIVE, B CELL-NEGATIVE, NK CELL-POSITIVE; Severe combined immunodeficiency due to complete RAG1/2 deficiency. Identifiers: Orphanet 331206, MedGen C1832322, MONDO:0011086, OMIM 601457.
Histiocytic medullary reticulosis. Also called: SEVERE COMBINED IMMUNODEFICIENCY WITH HYPEREOSINOPHILIA; Omenn syndrome. Identifiers: Orphanet 39041, MedGen C2700553, MONDO:0011338, OMIM 603554.

Allele frequency attached by ClinVar (database versions not stated): 1000 Genomes Project 0.01118; 1000 Genomes Project 30x 0.01187; gnomAD 0.01561; TOPMed 0.01598; ESP Exome Variant Server 0.02046.
gnomAD v4.1: 34,886 of 1,614,136 alleles (2.2%); highest among the groups gnomAD compares: South Asian, 2.7%; 477 homozygotes.

Submissions (10):

ClinGen Severe Combined Immunodeficiency Variant Curation Expert Panel, ClinGen
Classification: Benign for Recombinase activating gene 1 deficiency. Last evaluated: 2023-11-14. Review status: reviewed by expert panel. Criteria: ClinGen SCID ACMG Specifications RAG1 V1.0.0. Collection method: curation. Allele origin: germline. Inheritance: Autosomal recessive inheritance.
Comment: The c.303G>A (p.Ala101=) variant (NM_000022.4) is a synonymous (silent) variant that is not predicted by SpliceAI and varSEAK to impact splicing (BP7). The filtering allele frequency (the lower threshold of the 95% CI of 799/30614) of the c.303G>A variant in RAG1 is 0.02460 for South Asian chromosomes by gnomAD v2.1.1 which is higher than the ClinGen SCID VCEP threshold (>0.00872) for BA1 and therefore meets this criterion (BA1). Additionally, 76 homozygous individuals were reported (BS2_Supporting is met). In summary, this variant is classified as a Benign for autosomal recessive SCID based on ACMG/AMP criteria applied, as specified by the ClinGen SCID VCEP (specification version 1.0): BA1, BS2_Supporting, and BP7.

Labcorp Genetics (formerly Invitae), Labcorp
Classification: Benign for Combined immunodeficiency with skin granulomas; Severe combined immunodeficiency, autosomal recessive, T cell-negative, B cell-negative, NK cell-positive. Last evaluated: 2026-02-04. Review status: criteria provided, single submitter. Criteria: Invitae Variant Classification Sherloc (09022015). Collection method: clinical testing. Allele origin: germline. Not counted in ClinVar's aggregate classification.

ARUP Laboratories, Molecular Genetics and Genomics, ARUP Laboratories
Classification: Benign. Last evaluated: 2025-05-23. Review status: criteria provided, single submitter. Criteria: ARUP Molecular Germline Variant Investigation Process 2024. Collection method: clinical testing. Allele origin: germline. Not counted in ClinVar's aggregate classification.

Blueprint Genetics
Classification: Likely benign. Last evaluated: 2024-11-27. Review status: criteria provided, single submitter. Criteria: ACMG Guidelines, 2015. Collection method: clinical testing. Allele origin: germline. Not counted in ClinVar's aggregate classification.

Mayo Clinic Laboratories, Mayo Clinic
Classification: Benign. Last evaluated: 2019-08-15. Review status: criteria provided, single submitter. Criteria: ACMG Guidelines, 2015. Collection method: clinical testing. Allele origin: germline. Observed: 17 variant alleles. Not counted in ClinVar's aggregate classification.

Illumina Laboratory Services, Illumina
Classification: Benign for Histiocytic medullary reticulosis. Last evaluated: 2018-01-13. Review status: criteria provided, single submitter. Criteria: ICSL Variant Classification Criteria 13 December 2019. Collection method: clinical testing. Allele origin: germline. Not counted in ClinVar's aggregate classification.
Comment: This variant was observed in the ICSL laboratory as part of a predisposition screen in an ostensibly healthy population. It had not been previously curated by ICSL or reported in the Human Gene Mutation Database (HGMD: prior to June 1st, 2018), and was therefore a candidate for classification through an automated scoring system. Utilizing variant allele frequency, disease prevalence and penetrance estimates, and inheritance mode, an automated score was calculated to assess if this variant is too frequent to cause the disease. Based on the score and internal cut-off values, a variant classified as benign is not then subjected to further curation. The score for this variant resulted in a classification of benign for this disease.

Illumina Laboratory Services, Illumina
Classification: Benign for Severe combined immunodeficiency, autosomal recessive, T cell-negative, B cell-negative, NK cell-positive. Last evaluated: 2018-01-13. Review status: criteria provided, single submitter. Criteria: ICSL Variant Classification Criteria 13 December 2019. Collection method: clinical testing. Allele origin: germline. Not counted in ClinVar's aggregate classification.
Comment: the same text as in the submission from Illumina Laboratory Services, Illumina above.

GeneDx
Classification: Benign. Last evaluated: 2013-08-05. Review status: criteria provided, single submitter. Criteria: GeneDx Variant Classification (06012015). Collection method: clinical testing. Allele origin: germline. Affected: yes. Not counted in ClinVar's aggregate classification.
Comment: This variant is considered likely benign or benign based on one or more of the following criteria: it is a conservative change, it occurs at a poorly conserved position in the protein, it is predicted to be benign by multiple in silico algorithms, and/or has population frequency not consistent with disease.

Breakthrough Genomics
Classification: Benign. Review status: criteria provided, single submitter. Criteria: ACMG Guidelines, 2015. Collection method: not provided. Allele origin: germline. Inheritance: Autosomal recessive inheritance. Affected: yes. Not counted in ClinVar's aggregate classification.

PreventionGenetics, part of Exact Sciences
Classification: Benign. Review status: criteria provided, single submitter. Criteria: ACMG Guidelines, 2015. Collection method: clinical testing. Allele origin: germline. Not counted in ClinVar's aggregate classification.

NM_000448.3(RAG1):c.303G>A (p.Ala101=)

Gene: RAG1 (recombination activating 1; plus strand). Cytogenetic location: 11p12.
Variant type: single nucleotide variant.
Coding change: c.303G>A on transcript NM_000448.3 (MANE Select); coding-DNA position 303, G replaced by A.
Protein change: p.Ala101=; no amino-acid change (alanine 101 retained).
Molecular consequence: synonymous variant.
Genome position (GRCh38, 1-based): chr11:36,573,607, G>A. VCF-style: chr11-36573607-G-A. GRCh37 (hg19) VCF-style: chr11-36595157-G-A.
Other names: p.A101A:GCG>GCA; NM_000448.3(RAG1):c.303G>A; p.Ala101=; c.303G>A, p.Ala101= (NM_001377277.1, NM_001377278.1, NM_001377279.1 and 1 more transcripts).
Identifiers: ClinVar variation 138882 (VCV000138882.32), dbSNP rs4151025, ClinGen allele CA293046.